The following is an entry in ClinVar:

NM_005963.4(MYH1):c.868dup (p.Tyr290fs)

Genes: MYH1 (myosin heavy chain 1; minus strand), MYHAS (myosin heavy chain gene cluster antisense RNA; plus strand). Cytogenetic location: 17p13.1.
Variant type: Duplication.
Coding change: c.868dup on transcript NM_005963.4 (MANE Select); coding-DNA position 868, one base duplicated (T; older notation c.868dupT).
Protein change: p.Tyr290fs; shifts the reading frame from tyrosine 290.
Molecular consequence: frameshift variant.
Genome position (GRCh38, 1-based): chr17:10,512,903, A duplicated on the plus strand (T on the coding strand, the reverse complement: MYH1 is on the minus strand); the first of 6 consecutive A bases (chr17:10,512,903-10,512,908); duplicating any one gives the same sequence. VCF-style (leftmost placement, unchanged base first): chr17-10512902-T-TA. GRCh37 (hg19) VCF-style: chr17-10416219-T-TA.
Other names: c.868dupT (NM_005963.3); short protein forms Y290fs.
Identifiers: ClinVar variation 2647477 (VCV002647477.25), dbSNP rs545765873, ClinGen allele CA8390275.

ClinVar aggregate classification (germline): Likely benign. Review status: criteria provided, single submitter (1 of 4 stars). 2 submissions from 2 submitters: Likely benign (1). 1 of the submissions does not count toward it. Last evaluated 2026-04-01.

Conditions:
MYH1-related disorder. Also called: MYH1-related condition.

Submissions (2):

CeGaT Center for Human Genetics Tuebingen
Classification: Likely benign. Last evaluated: 2026-04-01. Review status: criteria provided, single submitter. Criteria: CeGaT Center For Human Genetics Tuebingen Variant Classification Criteria Version 2. Collection method: clinical testing. Allele origin: germline. Affected: yes. Observed: 2 variant alleles.
Comment: MYH1: BS2

PreventionGenetics, part of Exact Sciences
Classification: Likely benign for MYH1-related condition. Last evaluated: 2023-04-20. Review status: no assertion criteria provided. Collection method: clinical testing. Allele origin: germline. Not counted in ClinVar's aggregate classification.
Comment: This variant is classified as likely benign based on ACMG/AMP sequence variant interpretation guidelines (Richards et al. 2015 PMID: 25741868, with internal and published modifications).